The following is an entry in ClinVar:

ClinVar aggregate classification (germline): Uncertain significance (1 of 4 stars; one submission).

Conditions:
Brachyolmia-amelogenesis imperfecta syndrome. Also called: PLATYSPONDYLY WITH AMELOGENESIS IMPERFECTA; Tooth agenesis, selective, 6; Dental anomalies and short stature. Identifiers: Orphanet 2899, MedGen C1832594, MONDO:0011018, OMIM 601216. Disease mechanism: loss of function.

Allele frequency attached by ClinVar (database versions not stated): gnomAD exomes below 0.00001; gnomAD 0.00001; TOPMed 0.00001.
gnomAD v4.1: 3 of 1,526,844 alleles (0.0002%); highest among the groups gnomAD compares: African/African-American, 0.0028%; no homozygotes.

Submission:

Labcorp Genetics (formerly Invitae), Labcorp
Classification: Uncertain significance for Brachyolmia-amelogenesis imperfecta syndrome. Last evaluated: 2022-04-05. Review status: criteria provided, single submitter. Criteria: Invitae Variant Classification Sherloc (09022015). Collection method: clinical testing. Allele origin: germline.
Comment: In summary, the available evidence is currently insufficient to determine the role of this variant in disease. Therefore, it has been classified as a Variant of Uncertain Significance. Algorithms developed to predict the effect of missense changes on protein structure and function are either unavailable or do not agree on the potential impact of this missense change (SIFT: "Deleterious"; PolyPhen-2: "Possibly Damaging"; Align-GVGD: "Class C0"). This sequence change replaces arginine, which is basic and polar, with cysteine, which is neutral and slightly polar, at codon 1093 of the LTBP3 protein (p.Arg1093Cys). This variant is not present in population databases (gnomAD no frequency). This variant has not been reported in the literature in individuals affected with LTBP3-related conditions.

NM_001130144.3(LTBP3):c.3277C>T (p.Arg1093Cys)

Genes: LTBP3 (latent transforming growth factor beta binding protein 3; minus strand), LOC121832793 (Sharpr-MPRA regulatory region 4001; plus strand). Cytogenetic location: 11q13.1.
Variant type: single nucleotide variant.
Coding change: c.3277C>T on transcript NM_001130144.3 (MANE Select); coding-DNA position 3277, C replaced by T.
Protein change: p.Arg1093Cys; replaces arginine 1093 with cysteine.
Molecular consequence: missense variant. On other transcripts: intron variant (2).
Genome position (GRCh38, 1-based): chr11:65,540,121, G>A on the plus strand (C>T on the coding strand, the complement: LTBP3 is on the minus strand). VCF-style: chr11-65540121-G-A. GRCh37 (hg19) VCF-style: chr11-65307592-G-A.
Other names: c.2893+124C>T (NM_001164266.1); c.3244+124C>T (NM_021070.4); short protein forms R1093C.
Identifiers: ClinVar variation 1476950 (VCV001476950.8), dbSNP rs1203529790, ClinGen allele CA381267236.
Genomic context (GRCh38, chr11:65,540,121, plus strand): 5'-CCCAGGGCGGGCGACACTCGCAGCGGTAGGAGCCCGGCAGGTTGACGCAGCGGCCAGGGC[G>A]GCAGGCTGCCGGGTCCTGGCACTCGTCCACGTCTACGAACAGCGAGGGGGTGGGTGGGGG-3'
Protein context (NP_001123616.1, residues 1083-1103): VDECQDPAAC[Arg1093Cys]PGRCVNLPGS